The following is an entry in ClinVar:

NM_139343.3(BIN1):c.85-87G>A

Gene: BIN1 (bridging integrator 1; minus strand). Cytogenetic location: 2q14.3.
Variant type: single nucleotide variant.
Coding change: c.85-87G>A on transcript NM_139343.3 (MANE Select); 87 bases into the intron before coding-DNA position 85, G replaced by A.
Molecular consequence: intron variant.
Genome position (GRCh38, 1-based): chr2:127,076,793, C>T on the plus strand (G>A on the coding strand, the complement: BIN1 is on the minus strand). VCF-style: chr2-127076793-C-T. GRCh37 (hg19) VCF-style: chr2-127834369-C-T.
Other names: c.4-87G>A (NM_001320642.1); c.13-87G>A (NM_001320634.1); c.85-87G>A (NM_139351.3, NM_139350.3, NM_139349.3 and 10 more transcripts).
Identifiers: ClinVar variation 680092 (VCV000680092.2), dbSNP rs62157856, ClinGen allele CA15149638.

ClinVar aggregate classification (germline): Benign. Review status: criteria provided, multiple submitters, no conflicts (2 of 4 stars). 2 submissions from 2 submitters: Benign (2). Last evaluated 2018-06-16.

Allele frequency attached by ClinVar (database versions not stated): TOPMed 0.14724; 1000 Genomes Project 30x 0.15147; 1000 Genomes Project 0.15236; gnomAD 0.15700 and 0.15881; gnomAD exomes 0.15987.
gnomAD v4.1: 234,477 of 1,469,098 alleles (16%); highest among the groups gnomAD compares: South Asian, 24%; 19,890 homozygotes.

Submissions (2):

GeneDx
Classification: Benign. Last evaluated: 2018-06-16. Review status: criteria provided, single submitter. Criteria: GeneDx Variant Classification (06012015). Collection method: clinical testing. Allele origin: germline. Affected: yes.
Comment: This variant is considered likely benign or benign based on one or more of the following criteria: it is a conservative change, it occurs at a poorly conserved position in the protein, it is predicted to be benign by multiple in silico algorithms, and/or has population frequency not consistent with disease.

Breakthrough Genomics
Classification: Benign. Review status: criteria provided, single submitter. Criteria: ACMG Guidelines, 2015. Collection method: not provided. Allele origin: germline. Inheritance: Autosomal recessive inheritance. Affected: yes.